The following is an entry in ClinVar:

ClinVar aggregate classification (germline): Uncertain significance (1 of 4 stars; one submission).

Allele frequency attached by ClinVar (database versions not stated): TOPMed below 0.00001.
gnomAD v4.1: 1 of 1,613,694 alleles (0.000062%); highest among the groups gnomAD compares: Non-Finnish European, 0.000085%; no homozygotes.

Submission:

Labcorp Genetics (formerly Invitae), Labcorp
Classification: Uncertain significance. Last evaluated: 2024-03-19. Review status: criteria provided, single submitter. Criteria: Invitae Variant Classification Sherloc (09022015). Collection method: clinical testing. Allele origin: germline.
Comment: This sequence change replaces isoleucine, which is neutral and non-polar, with valine, which is neutral and non-polar, at codon 3525 of the USH2A protein (p.Ile3525Val). This variant is not present in population databases (gnomAD no frequency). This variant has not been reported in the literature in individuals affected with USH2A-related conditions. ClinVar contains an entry for this variant (Variation ID: 1404807). Advanced modeling of protein sequence and biophysical properties (such as structural, functional, and spatial information, amino acid conservation, physicochemical variation, residue mobility, and thermodynamic stability) performed at Invitae indicates that this missense variant is not expected to disrupt USH2A protein function with a negative predictive value of 95%. In summary, the available evidence is currently insufficient to determine the role of this variant in disease. Therefore, it has been classified as a Variant of Uncertain Significance.

NM_206933.4(USH2A):c.10573A>G (p.Ile3525Val)

Gene: USH2A (usherin; minus strand). Cytogenetic location: 1q41.
Variant type: single nucleotide variant.
Coding change: c.10573A>G on transcript NM_206933.4 (MANE Select); coding-DNA position 10573, A replaced by G.
Protein change: p.Ile3525Val; replaces isoleucine 3525 with valine.
Molecular consequence: missense variant.
Genome position (GRCh38, 1-based): chr1:215,782,750, T>C on the plus strand (A>G on the coding strand, the complement: USH2A is on the minus strand). VCF-style: chr1-215782750-T-C. GRCh37 (hg19) VCF-style: chr1-215956092-T-C.
Other names: short protein forms I3525V.
Identifiers: ClinVar variation 1404807 (VCV001404807.7), dbSNP rs1214766432, ClinGen allele CA344837301.
Genomic context (GRCh38, chr1:215,782,750, plus strand): 5'-ATGAATTTATGGGATTTTGTTATTTGTATTTTAAAGGTATCTCAATACCATTTGATTGTA[T>C]AGGTTTTCTCCAGTTTAAGACAATTGTATCTTCAAGATTGTCTATTTTGGTCCACGTAGG-3'
Protein context (NP_996816.3, residues 3515-3535): DTIVLNWRKP[Ile3525Val]QSNGPIIYYI